The following is an entry in ClinVar:

NM_001167.4(XIAP):c.978-4_978-3insA

Gene: XIAP (X-linked inhibitor of apoptosis; plus strand). Cytogenetic location: Xq25.
Variant type: Insertion.
Coding change: c.978-4_978-3insA on transcript NM_001167.4 (MANE Select); 4 bases into the intron before coding-DNA position 978 through 3 bases into the intron before coding-DNA position 978, A inserted.
Molecular consequence: intron variant.
Genome position: GRCh38 VCF-style: chrX-123891234-T-TA. GRCh37 (hg19) VCF-style: chrX-123025084-T-TA.
Other names: c.978-4_978-3insA (NM_001378592.1, NM_001378591.1, NM_001204401.2 and 1 more transcripts).
Identifiers: ClinVar variation 3906101 (VCV003906101.10).

ClinVar aggregate classification (germline): Uncertain significance (1 of 4 stars; one submission).

Submission:

CeGaT Center for Human Genetics Tuebingen
Classification: Uncertain significance. Last evaluated: 2025-06-01. Review status: criteria provided, single submitter. Criteria: CeGaT Center For Human Genetics Tuebingen Variant Classification Criteria Version 2. Collection method: clinical testing. Allele origin: germline. Affected: yes. Observed: 1 variant allele.
Comment: XIAP: PM2, BP4